The following is an entry in ClinVar:

NM_000179.3(MSH6):c.2403dup (p.Pro802fs)

Gene: MSH6 (mutS homolog 6; plus strand). Cytogenetic location: 2p16.3.
Variant type: Duplication.
Coding change: c.2403dup on transcript NM_000179.3 (MANE Select); coding-DNA position 2403, one base duplicated (G; older notation c.2403dupG).
Protein change: p.Pro802fs; shifts the reading frame from proline 802.
Molecular consequence: frameshift variant. On other transcripts: non-coding transcript variant (5), intron variant (3).
Genome position (GRCh38, 1-based): chr2:47,800,386, G duplicated. VCF-style (leftmost placement, unchanged base first): chr2-47800385-T-TG. GRCh37 (hg19) VCF-style: chr2-48027524-T-TG.
Other names: c.2013dup, p.Pro672fs (NM_001281492.2); c.1497dup, p.Pro500fs (NM_001281493.2, NM_001281494.2, NM_001406811.1 and 6 more transcripts); c.2499dup, p.Pro834fs (NM_001406795.1, NM_001406802.1); c.2403dup, p.Pro802fs (NM_001406796.1, NM_001406798.1, NM_001406800.1 and 2 more transcripts); c.2106dup, p.Pro703fs (NM_001406797.1, NM_001406801.1, NM_001406805.1 and 10 more transcripts); c.1878dup, p.Pro627fs (NM_001406799.1, NM_001406806.1, NM_001406807.1); c.2325dup, p.Pro776fs (NM_001406804.1); c.2409dup, p.Pro804fs (NM_001406813.1); and 4 more; short protein forms P500fs, P627fs, P672fs, P703fs, P746fs, P776fs, P802fs, P804fs.
Identifiers: ClinVar variation 2673642 (VCV002673642.1), dbSNP rs2530670029, ClinGen allele CA2695200538.

ClinVar aggregate classification (germline): Pathogenic (1 of 4 stars; one submission).

Conditions:
Lynch syndrome 5 (LYNCH5). Also called: Colorectal cancer, hereditary nonpolyposis, type 5; Hereditary non-polyposis colorectal cancer, type 5. Identifiers: Orphanet 144, MedGen C1833477, MONDO:0013710, OMIM 614350. Disease mechanism: loss of function.

Submission:

Myriad Genetics, Inc.
Classification: Pathogenic for Lynch syndrome 5. Last evaluated: 2023-08-17. Review status: criteria provided, single submitter. Criteria: Myriad Autosomal Dominant, Autosomal Recessive and X-Linked Classification Criteria (2023). Collection method: clinical testing. Allele origin: unknown.
Comment: This variant is considered pathogenic. This variant creates a frameshift predicted to result in premature protein truncation.